The following is an entry in ClinVar:

NM_000520.6(HEXA):c.1496G>A (p.Arg499His)

Gene: HEXA (hexosaminidase subunit alpha; minus strand). Cytogenetic location: 15q23.
Variant type: single nucleotide variant.
Coding change: c.1496G>A on transcript NM_000520.6 (MANE Select); coding-DNA position 1496, G replaced by A.
Protein change: p.Arg499His; replaces arginine 499 with histidine.
Molecular consequence: missense variant. On other transcripts: non-coding transcript variant (1).
Genome position (GRCh38, 1-based): chr15:72,345,476, C>T on the plus strand (G>A on the coding strand, the complement: HEXA is on the minus strand). VCF-style: chr15-72345476-C-T. GRCh37 (hg19) VCF-style: chr15-72637817-C-T.
Other names: c.1529G>A, p.Arg510His (NM_001318825.2); short protein forms R499H, R510H.
Identifiers: ClinVar variation 3899 (VCV000003899.68), dbSNP rs121907956, ClinGen allele CA116501.

ClinVar aggregate classification (germline): Pathogenic. Review status: criteria provided, multiple submitters, no conflicts (2 of 4 stars). 21 submissions from 21 submitters: Pathogenic (19). 2 of the submissions do not count toward it. Last evaluated 2026-07-28.

Conditions:
Inborn genetic diseases. Identifiers: MedGen C0950123, MeSH D030342.
GM2-GANGLIOSIDOSIS, JUVENILE. Identifiers: MedGen C0268276.
Tay-Sachs disease (TSD). Also called: HEXA DEFICIENCY; GM2 gangliosidosis, type 1; Hexosaminidase alpha-subunit deficiency (variant B); Sphingolipidosis, Tay-Sachs; Hexosaminidase A Deficiency; HEXA Disorders. Identifiers: Orphanet 845, MedGen C0039373, MONDO:0010100, OMIM 272800.

Allele frequency attached by ClinVar (database versions not stated): gnomAD 0.00003 and 0.00004; ExAC 0.00007; TOPMed 0.00002; gnomAD exomes 0.00006.
gnomAD v4.1: 110 of 1,614,084 alleles (0.0068%); highest among the groups gnomAD compares: South Asian, 0.037%; no homozygotes.

Submissions 1 to 12 of 21:

Undiagnosed Diseases Network, NIH
Classification: Pathogenic for Tay-Sachs disease. Last evaluated: 2026-07-28. Review status: criteria provided, single submitter. Criteria: ACMG Guidelines, 2015. Collection method: clinical testing. Allele origin: maternal. Inheritance: Autosomal recessive inheritance. Affected: yes. Observed: 1 variant allele, 1 compound heterozygote. Study: Undiagnosed Diseases Network, UDN.

Labcorp Genetics (formerly Invitae), Labcorp
Classification: Pathogenic for Tay-Sachs disease. Last evaluated: 2026-01-27. Review status: criteria provided, single submitter. Criteria: Invitae Variant Classification Sherloc (09022015). Collection method: clinical testing. Allele origin: germline.
Comment: This sequence change replaces arginine, which is basic and polar, with histidine, which is basic and polar, at codon 499 of the HEXA protein (p.Arg499His). This variant is present in population databases (rs121907956, gnomAD 0.03%). This missense change has been observed in individual(s) with Tay-Sachs disease (PMID: 2144098, 14577003, 17237499). ClinVar contains an entry for this variant (Variation ID: 3899). Invitae Evidence Modeling of protein sequence and biophysical properties (such as structural, functional, and spatial information, amino acid conservation, physicochemical variation, residue mobility, and thermodynamic stability) indicates that this missense variant is expected to disrupt HEXA protein function with a positive predictive value of 95%. For these reasons, this variant has been classified as Pathogenic.

First Genomix Gene Laboratory, Genetic Diagnostics Department
Classification: Pathogenic for Tay-Sachs disease. Last evaluated: 2025-09-15. Review status: criteria provided, single submitter. Criteria: ACMG Guidelines, 2015. Collection method: clinical testing. Allele origin: germline. Inheritance: Autosomal recessive inheritance. Affected: no. Observed: 1 variant allele.

Natera, Inc.
Classification: Pathogenic for Tay-Sachs disease. Last evaluated: 2025-08-10. Review status: criteria provided, single submitter. Criteria: Natera Variant Classification Schema (03/2026). Collection method: clinical testing. Allele origin: germline.
Comment: The c.1496G>A variant in HEXA is a missense variant predicted to cause substitution of arginine to histidine at amino acid 499. This variant is rare in the general population with a frequency below the threshold expected for the associated phenotype(s). This variant has been observed in one or more individuals affected with the associated recessive disease, as either homozygous or compound heterozygous with a second variant (PMID: 17015493). A different variant at the same position has been determined to be Pathogenic or Likely Pathogenic. Given the available evidence, this variant is classified as Pathogenic.

3billion
Classification: Pathogenic for Tay-Sachs disease. Last evaluated: 2025-03-31. Review status: criteria provided, single submitter. Criteria: ACMG Guidelines, 2015. Collection method: clinical testing. Allele origin: germline. Affected: yes.
Comment: The variant is observed at an extremely low frequency in the gnomAD v4.1.0 dataset (total allele frequency: 0.007%). Predicted Consequence/Location: Missense variant In silico tool predictions suggest damaging effect of the variant on gene or gene product [REVEL: 0.89 (>=0.6, sensitivity 0.68 and specificity 0.92); 3Cnet: 0.97 (> 0.75, sensitivity 0.96 and precision 0.92)]. The same nucleotide change resulting in the same amino acid change has been previously reported as pathogenic/likely pathogenic with strong evidence (ClinVar ID: VCV000003899 / PMID: 1833974 / 3billion dataset). The variant has been reported to be in trans with a pathogenic variant as either compound heterozygous or homozygous in at least 2 similarly affected unrelated individuals (PMID: 14577003, 29214523). A different missense change at the same codon (p.Arg499Cys) has been reported as pathogenic/likely pathogenic with strong evidence (ClinVar ID: VCV000003915 / PMID: 1532289). Therefore, this variant is classified as Pathogenic according to the recommendation of ACMG/AMP guideline.

GeneDx
Classification: Pathogenic. Last evaluated: 2025-02-21. Review status: criteria provided, single submitter. Criteria: GeneDx Variant Classification Process June 2021. Collection method: clinical testing. Allele origin: germline. Affected: yes.
Comment: Published functional studies demonstrate a damaging effect (retention of the Hex alpha-subunit in the ER and posterior degradation along with a lower value of the solvent-accessible surface area) (PMID: 2140574); In silico analysis supports that this missense variant has a deleterious effect on protein structure/function; This variant is associated with the following publications: (PMID: 26984043, 1833974, 2140574, 18490185, 34288098, 19091716, 35936646, 34302356, 31367523, 24767253, 22441121, 17237499, 33240792, 29214523)

Revvity Omics, Revvity
Classification: Pathogenic for Tay-Sachs disease. Last evaluated: 2023-12-14. Review status: criteria provided, single submitter. Criteria: ACMG Guidelines, 2015. Collection method: clinical testing. Allele origin: germline.

CeGaT Center for Human Genetics Tuebingen
Classification: Pathogenic. Last evaluated: 2023-03-01. Review status: criteria provided, single submitter. Criteria: CeGaT Center For Human Genetics Tuebingen Variant Classification Criteria Version 2. Collection method: clinical testing. Allele origin: germline. Affected: yes. Observed: 1 variant allele.
Comment: HEXA: PP4:Strong, PM2, PM3, PM5

Mendelics
Classification: Pathogenic for Tay-Sachs disease. Last evaluated: 2022-05-04. Review status: criteria provided, single submitter. Criteria: Mendelics Assertion Criteria 2019. Collection method: clinical testing. Allele origin: germline.

Baylor Genetics
Classification: Pathogenic for Tay-Sachs disease. Last evaluated: 2022-05-02. Review status: criteria provided, single submitter. Criteria: ACMG Guidelines, 2015. Collection method: clinical testing. Allele origin: unknown.

Ambry Genetics
Classification: Pathogenic for Inborn genetic diseases. Last evaluated: 2021-12-27. Review status: criteria provided, single submitter. Criteria: Ambry Variant Classification Scheme 2023. Collection method: clinical testing. Allele origin: germline.
Comment: The c.1496G>A (p.R499H) alteration is located in coding exon 13 of the HEXA gene. This alteration results from a G to A substitution at nucleotide position 1496, causing the arginine (R) at amino acid position 499 to be replaced by a histidine (H). Based on data from gnomAD, the A allele has an overall frequency of 0.01% (14/251458) total alleles studied. The highest observed frequency was 0.03% (10/30614) of South Asian alleles. This alteration has been reported in multiple individuals with Tay-Sachs disease with a second HEXA alteration (Paw, 1990; Maegawa, 2006; Stepien, 2018; Ou, 2019). This amino acid position is highly conserved in available vertebrate species. The p.R499H amino acid is located in the GH20_HexA_HexB-like domain. Biosynthetic studies of the R499H alteration revealed the synthesis of an abnormal a-subunit which did not associate with the b-subunit. It was not processed into the mature lysosomal form and appeared to be retained and degraded in the endoplasmic reticulum, possibly due to misfolding. However some residual enzyme activity (~3%) was observed (Paw, 1990). This alteration is predicted to be deleterious by in silico analysis. Based on the available evidence, this alteration is classified as pathogenic.

Foundation for Research in Genetics and Endocrinology, FRIGE's Institute of Human Genetics
Classification: Pathogenic for Tay-Sachs disease. Last evaluated: 2020-02-21. Review status: criteria provided, single submitter. Criteria: ACMG Guidelines, 2015. Collection method: clinical testing. Allele origin: germline. Inheritance: Autosomal recessive inheritance. Affected: yes. Observed: 1 compound heterozygote.
Comment: A heterozygous missense variation in exon 13 of the HEXA gene that results in the amino acid substitution of Histidine for Arginine at codon 499 was detected. The observed variant c.1496G>A (p.Arg499His) has not been reported in the 1000 genomes and ExAC databases. The in silico prediction of the variant is possibly damaging by PolyPhen-2 (HumDiv) and damaging by MutationTaster2. The reference codon is conserved across species. In summary, the variant meets our criteria to be classified as pathogenic.